The following is an entry in ClinVar:

ClinVar aggregate classification (germline): Uncertain significance. Review status: criteria provided, multiple submitters, no conflicts (2 of 4 stars). 2 submissions from 2 submitters: Uncertain significance (2). Last evaluated 2022-02-01.

Allele frequency attached by ClinVar (database versions not stated): gnomAD exomes 0.00001; TOPMed 0.00001.
gnomAD v4.1: 11 of 1,550,756 alleles (0.00071%); highest among the groups gnomAD compares: Admixed American, 0.0098%; no homozygotes.

Submissions (2):

GeneDx
Classification: Uncertain significance. Last evaluated: 2022-02-01. Review status: criteria provided, single submitter. Criteria: GeneDx Variant Classification Process June 2021. Collection method: clinical testing. Allele origin: germline. Affected: yes.
Comment: Not observed at significant frequency in large population cohorts (gnomAD); In silico analysis supports that this missense variant has a deleterious effect on protein structure/function; Has not been previously published as pathogenic or benign to our knowledge

Labcorp Genetics (formerly Invitae), Labcorp
Classification: Uncertain significance. Last evaluated: 2021-12-27. Review status: criteria provided, single submitter. Criteria: Invitae Variant Classification Sherloc (09022015). Collection method: clinical testing. Allele origin: germline.
Comment: This variant has not been reported in the literature in individuals affected with OTOG-related conditions. This sequence change replaces aspartic acid, which is acidic and polar, with asparagine, which is neutral and polar, at codon 1154 of the OTOG protein (p.Asp1154Asn). This variant is not present in population databases (gnomAD no frequency). Algorithms developed to predict the effect of missense changes on protein structure and function (SIFT, PolyPhen-2, Align-GVGD) all suggest that this variant is likely to be tolerated. In summary, the available evidence is currently insufficient to determine the role of this variant in disease. Therefore, it has been classified as a Variant of Uncertain Significance.

NM_001292063.2(OTOG):c.3424G>A (p.Asp1142Asn)

Gene: OTOG (otogelin; plus strand). Cytogenetic location: 11p15.1.
Variant type: single nucleotide variant.
Coding change: c.3424G>A on transcript NM_001292063.2 (MANE Select); coding-DNA position 3424, G replaced by A.
Protein change: p.Asp1142Asn; replaces aspartic acid 1142 with asparagine.
Molecular consequence: missense variant.
Genome position (GRCh38, 1-based): chr11:17,596,053, G>A. VCF-style: chr11-17596053-G-A. GRCh37 (hg19) VCF-style: chr11-17617600-G-A.
Other names: c.3460G>A, p.Asp1154Asn (NM_001277269.2); short protein forms D1142N, D1154N.
Identifiers: ClinVar variation 1699883 (VCV001699883.6), dbSNP rs1013694969, ClinGen allele CA218461621.
Genomic context (GRCh38, chr11:17,596,053, plus strand): 5'-CATTTGGCAAGTAGGGAGGTCAACAGCCCTGCCTTTGCCCCTCAGTGCCCAGACACCCTC[G>A]ATCCTCGGGATATGTGTGTCCTGAATCCTCTCCGAGAACCATTTGCCAAGAAGGAGTGCA-3'
Protein context (NP_001278992.1, residues 1132-1152): WAAVECPDTL[Asp1142Asn]PRDMCVLNPL